The following is an entry in ClinVar:

NM_001371904.1(APOA5):c.579_592del (p.Tyr194fs)

Gene: APOA5 (apolipoprotein A5; minus strand). Cytogenetic location: 11q23.3.
Variant type: Deletion.
Coding change: c.579_592del on transcript NM_001371904.1 (MANE Select); coding-DNA positions 579 to 592, 14 bases deleted (ATACGCCGAGAGCC).
Protein change: p.Tyr194fs; shifts the reading frame from tyrosine 194.
Molecular consequence: frameshift variant.
Genome position (GRCh38, 1-based): chr11:116,790,637-116,790,650, GGCTCTCGGCGTAT deleted on the plus strand (ATACGCCGAGAGCC on the coding strand, the reverse complement: APOA5 is on the minus strand); deleting any 14 consecutive bases within chr11:116,790,637-116,790,652 gives the same sequence; the c. name uses the placement nearest the transcript's 3' end. VCF-style (leftmost placement, unchanged base first): chr11-116790636-AGGCTCTCGGCGTAT-A. GRCh37 (hg19) VCF-style: chr11-116661352-AGGCTCTCGGCGTAT-A.
Other names: c.579_592del, p.Tyr194fs (NM_001166598.2, NM_052968.5); short protein forms Y194fs.
Identifiers: ClinVar variation 995944 (VCV000995944.2), dbSNP rs1940989106, ClinGen allele CA1139662343.

ClinVar aggregate classification (germline): Pathogenic (1 of 4 stars; one submission).

Conditions:
Familial type 5 hyperlipoproteinemia. Also called: Hyperlipoproteinemia Type V; HYPERCHYLOMICRONEMIA WITH HYPERPREBETALIPOPROTEINEMIA, FAMILIAL. Identifiers: Orphanet 530849, MedGen C0020481, MONDO:0007762, OMIM 144650.

Submission:

Laboratory of Inherited Metabolic Diseases, Research centre for medical genetics
Classification: Pathogenic for Familial type 5 hyperlipoproteinemia. Last evaluated: 2020-12-17. Review status: criteria provided, single submitter. Criteria: ACMG Guidelines, 2015. Collection method: clinical testing. Allele origin: inherited. Inheritance: Autosomal recessive inheritance. Affected: yes.
Comment: Found in homozygous state.